The following is an entry in ClinVar:

NM_133259.4(LRPPRC):c.1086C>A (p.Pro362=)

Gene: LRPPRC (leucine rich pentatricopeptide repeat containing; minus strand). Cytogenetic location: 2p21.
Variant type: single nucleotide variant.
Coding change: c.1086C>A on transcript NM_133259.4 (MANE Select); coding-DNA position 1086, C replaced by A.
Protein change: p.Pro362=; no amino-acid change (proline 362 retained).
Molecular consequence: synonymous variant.
Genome position (GRCh38, 1-based): chr2:43,974,219, G>T on the plus strand (C>A on the coding strand, the complement: LRPPRC is on the minus strand). VCF-style: chr2-43974219-G-T. GRCh37 (hg19) VCF-style: chr2-44201358-G-T.
Identifiers: ClinVar variation 513499 (VCV000513499.4), dbSNP rs150044060, ClinGen allele CA425909769.

ClinVar aggregate classification (germline): Likely benign. Review status: criteria provided, multiple submitters, no conflicts (2 of 4 stars). 2 submissions from 2 submitters: Likely benign (2). Last evaluated 2024-01-11.

Submissions (2):

Labcorp Genetics (formerly Invitae), Labcorp
Classification: Likely benign. Last evaluated: 2024-01-11. Review status: criteria provided, single submitter. Criteria: Invitae Variant Classification Sherloc (09022015). Collection method: clinical testing. Allele origin: germline.

GeneDx
Classification: Likely benign. Last evaluated: 2017-11-28. Review status: criteria provided, single submitter. Criteria: GeneDx Variant Classification (06012015). Collection method: clinical testing. Allele origin: germline. Affected: yes.
Comment: This variant is considered likely benign or benign based on one or more of the following criteria: it is a conservative change, it occurs at a poorly conserved position in the protein, it is predicted to be benign by multiple in silico algorithms, and/or has population frequency not consistent with disease.